The following is an entry in ClinVar:

NM_000701.8(ATP1A1):c.2951+1G>T

Genes: ATP1A1-AS1 (ATP1A1 antisense RNA 1; minus strand), ATP1A1 (ATPase Na+/K+ transporting subunit alpha 1; plus strand). Cytogenetic location: 1p13.1.
Variant type: single nucleotide variant.
Coding change: c.2951+1G>T on transcript NM_000701.8 (MANE Select); the canonical splice donor site of the intron after coding-DNA position 2951, G replaced by T.
Molecular consequence: splice donor variant.
Genome position (GRCh38, 1-based): chr1:116,401,656, G>T. VCF-style: chr1-116401656-G-T. GRCh37 (hg19) VCF-style: chr1-116944278-G-T.
Other names: c.2951+1G>T (NM_001160233.2); c.2858+1G>T (NM_001160234.2).
Identifiers: ClinVar variation 3728178 (VCV003728178.2).

ClinVar aggregate classification (germline): Uncertain significance (1 of 4 stars; one submission).

Submission:

Labcorp Genetics (formerly Invitae), Labcorp
Classification: Uncertain significance. Last evaluated: 2024-12-28. Review status: criteria provided, single submitter. Criteria: Invitae Variant Classification Sherloc (09022015). Collection method: clinical testing. Allele origin: germline.
Comment: This sequence change affects a donor splice site in intron 21 of the ATP1A1 gene. It is expected to disrupt RNA splicing. Variants that disrupt the donor or acceptor splice site typically lead to a loss of protein function (PMID: 16199547), however the current clinical and genetic evidence is not sufficient to establish whether loss-of-function variants in ATP1A1 cause disease. This variant is not present in population databases (gnomAD no frequency). This variant has not been reported in the literature in individuals affected with ATP1A1-related conditions. Algorithms developed to predict the effect of sequence changes on RNA splicing suggest that this variant may disrupt the consensus splice site. In summary, the available evidence is currently insufficient to determine the role of this variant in disease. Therefore, it has been classified as a Variant of Uncertain Significance.

Literature cited by the submitters: PubMed 16199547.